The following is an entry in ClinVar:

NM_002470.4(MYH3):c.5195A>C (p.Glu1732Ala)

Gene: MYH3 (myosin heavy chain 3; minus strand). Cytogenetic location: 17p13.1.
Variant type: single nucleotide variant.
Coding change: c.5195A>C on transcript NM_002470.4 (MANE Select); coding-DNA position 5195, A replaced by C.
Protein change: p.Glu1732Ala; replaces glutamic acid 1732 with alanine.
Molecular consequence: missense variant.
Genome position (GRCh38, 1-based): chr17:10,631,702, T>G on the plus strand (A>C on the coding strand, the complement: MYH3 is on the minus strand). VCF-style: chr17-10631702-T-G. GRCh37 (hg19) VCF-style: chr17-10535019-T-G.
Other names: short protein forms E1732A.
Identifiers: ClinVar variation 1706113 (VCV001706113.2), dbSNP rs902299567, ClinGen allele CA287780075.

ClinVar aggregate classification (germline): Uncertain significance (1 of 4 stars; one submission).

Allele frequency attached by ClinVar (database versions not stated): TOPMed 0.00001.

Submission:

GeneDx
Classification: Uncertain significance. Last evaluated: 2022-03-15. Review status: criteria provided, single submitter. Criteria: GeneDx Variant Classification Process June 2021. Collection method: clinical testing. Allele origin: germline. Affected: yes.
Comment: Not observed at significant frequency in large population cohorts (gnomAD); In silico analysis supports that this missense variant has a deleterious effect on protein structure/function; Has not been previously published as pathogenic or benign to our knowledge